The following is an entry in ClinVar:

NM_003079.5(SMARCE1):c.79G>C (p.Gly27Arg)

Gene: SMARCE1 (SWI/SNF related BAF chromatin remodeling complex subunit E1; minus strand). Cytogenetic location: 17q21.2.
Variant type: single nucleotide variant.
Coding change: c.79G>C on transcript NM_003079.5 (MANE Select); coding-DNA position 79, G replaced by C.
Protein change: p.Gly27Arg; replaces glycine 27 with arginine.
Molecular consequence: missense variant.
Genome position (GRCh38, 1-based): chr17:40,642,532, C>G on the plus strand (G>C on the coding strand, the complement: SMARCE1 is on the minus strand). VCF-style: chr17-40642532-C-G. GRCh37 (hg19) VCF-style: chr17-38798784-C-G.
Other names: short protein forms G27R.
Identifiers: ClinVar variation 3799001 (VCV003799001.1).
Genomic context (GRCh38, chr17:40,642,532, plus strand): 5'-TGCCCGGGTTCCCTCCCAGCCTGTAGTTGTTGTAGGCGAGATGACTGTATGGATTGTATC[C>G]CACAAACCCTGGTGTGCTGGGCATTTGCTGATGGAAACAAATGAGACAAAAACACGAATG-3'
Protein context (NP_003070.3, residues 17-37): TQMPSTPGFV[Gly27Arg]YNPYSHLAYN

ClinVar aggregate classification (germline): Uncertain significance (1 of 4 stars; one submission).

Conditions:
Hereditary cancer-predisposing syndrome. Also called: Neoplastic Syndromes, Hereditary; Hereditary Cancer Syndrome; Tumor predisposition; Hereditary neoplastic syndrome. Identifiers: Orphanet 140162, MedGen C0027672, MeSH D009386, MONDO:0015356.

Submission:

Ambry Genetics
Classification: Uncertain significance for Hereditary cancer-predisposing syndrome. Last evaluated: 2025-03-07. Review status: criteria provided, single submitter. Criteria: Ambry Variant Classification Scheme 2023. Collection method: clinical testing. Allele origin: germline.
Comment: The p.G27R variant (also known as c.79G>C), located in coding exon 3 of the SMARCE1 gene, results from a G to C substitution at nucleotide position 79. The glycine at codon 27 is replaced by arginine, an amino acid with dissimilar properties. This amino acid position is conserved. In addition, this alteration is predicted to be deleterious by in silico analysis. Based on the available evidence, the clinical significance of this variant remains unclear.